The following is an entry in ClinVar:

NM_000046.5(ARSB):c.245del (p.Leu82fs)

Genes: ARSB (arylsulfatase B; minus strand), LOC129994126 (ATAC-STARR-seq lymphoblastoid silent region 16127; plus strand). Cytogenetic location: 5q14.1.
Variant type: Deletion.
Coding change: c.245del on transcript NM_000046.5 (MANE Select); coding-DNA position 245, one base deleted (T; older notation c.245delT).
Protein change: p.Leu82fs; shifts the reading frame from leucine 82.
Molecular consequence: frameshift variant.
Genome position (GRCh38, 1-based): chr5:78,985,004, A deleted on the plus strand (T on the coding strand, the reverse complement: ARSB is on the minus strand). VCF-style (leftmost placement, unchanged base first): chr5-78985003-CA-C. GRCh37 (hg19) VCF-style: chr5-78280826-CA-C.
Other names: c.245del, p.Leu82fs (NM_198709.3); c.245delT (NM_000046.4); short protein forms L82fs.
Identifiers: ClinVar variation 559746 (VCV000559746.5), dbSNP rs750845916, ClinGen allele CA3318324.

ClinVar aggregate classification (germline): Pathogenic/Likely pathogenic. Review status: criteria provided, multiple submitters, no conflicts (2 of 4 stars). 3 submissions from 3 submitters: Pathogenic (2); Likely pathogenic (1). Last evaluated 2025-06-09.

Conditions:
Mucopolysaccharidosis type 6 (MPS6). Also called: N-ACETYLGALACTOSAMINE-4-SULFATASE DEFICIENCY; MPS VI; MPS 6; Maroteaux Lamy syndrome; ARSB DEFICIENCY; ARYLSULFATASE B DEFICIENCY. Identifiers: Orphanet 583, MedGen C0026709, MONDO:0009661, OMIM 253200.

Allele frequency attached by ClinVar (database versions not stated): TOPMed below 0.00001; ExAC 0.00001; gnomAD exomes 0.00001.

Submissions (3):

Natera, Inc.
Classification: Pathogenic for Mucopolysaccharidosis type VI. Last evaluated: 2025-06-09. Review status: criteria provided, single submitter. Criteria: Natera Variant Classification Schema (03/2026). Collection method: clinical testing. Allele origin: germline.
Comment: The c.245delT variant in ARSB is a frameshift variant predicted to shift the reading frame beginning at codon 82 and leads to a stop codon 32 codons downstream. This variant is expected to result in nonsense mediated decay, truncation, or a dysfunctional protein product. This variant is rare in the general population with a frequency below the threshold expected for the associated phenotype(s). This variant has been observed in one or more individuals affected with the associated recessive disease, as either homozygous or compound heterozygous with a second variant (PMID: 35118118). Given the available evidence, this variant is classified as Pathogenic.

Labcorp Genetics (formerly Invitae), Labcorp
Classification: Pathogenic for Mucopolysaccharidosis type 6. Last evaluated: 2022-12-07. Review status: criteria provided, single submitter. Criteria: Invitae Variant Classification Sherloc (09022015). Collection method: clinical testing. Allele origin: germline.
Comment: For these reasons, this variant has been classified as Pathogenic. ClinVar contains an entry for this variant (Variation ID: 559746). This premature translational stop signal has been observed in individual(s) with mucopolysaccharidosis type VI (PMID: 10923267). This variant is present in population databases (rs750845916, gnomAD 0.001%). This sequence change creates a premature translational stop signal (p.Leu82Argfs*32) in the ARSB gene. It is expected to result in an absent or disrupted protein product. Loss-of-function variants in ARSB are known to be pathogenic (PMID: 17458871, 22133300).

Laboratory of Diagnosis and Therapy of Lysosomal Disorders, University of Padova
Classification: Likely pathogenic for Mucopolysaccharidosis type 6. Last evaluated: 2018-01-01. Review status: criteria provided, single submitter. Criteria: ACMG Guidelines, 2015. Collection method: curation. Allele origin: germline. Affected: yes.
Comment: Frameshift variant (PVS1); Very low frequence in GnomAd (PM2)

Literature cited by the submitters: PubMed 35118118 (cited by Natera, Inc.); PubMed 10923267 (cited by Labcorp Genetics (formerly Invitae), Labcorp and Laboratory of Diagnosis and Therapy of Lysosomal Disorders, University of Padova); PubMed 17458871 (cited by Labcorp Genetics (formerly Invitae), Labcorp and Laboratory of Diagnosis and Therapy of Lysosomal Disorders, University of Padova); PubMed 22133300 (cited by Labcorp Genetics (formerly Invitae), Labcorp); PubMed 30118150 (cited by Laboratory of Diagnosis and Therapy of Lysosomal Disorders, University of Padova).